The following is an entry in ClinVar:

ClinVar aggregate classification (germline): Uncertain significance. Review status: criteria provided, multiple submitters, no conflicts (2 of 4 stars). 2 submissions from 2 submitters: Uncertain significance (2). Last evaluated 2022-05-11.

Conditions:
Mendelian susceptibility to mycobacterial diseases due to complete IL12RB1 deficiency. Also called: IL12RB1 DEFICIENCY; Immunodeficiency 30. Identifiers: Orphanet 319552, MedGen C4013949, MONDO:0013955, OMIM 614891.
Inborn genetic diseases. Identifiers: MedGen C0950123, MeSH D030342.

Allele frequency attached by ClinVar (database versions not stated): gnomAD exomes below 0.00001; TOPMed below 0.00001; ExAC 0.00003; 1000 Genomes Project 30x 0.00016; 1000 Genomes Project 0.00020.

Submissions (2):

Ambry Genetics
Classification: Uncertain significance for Inborn genetic diseases. Last evaluated: 2022-05-11. Review status: criteria provided, single submitter. Criteria: Ambry Variant Classification Scheme 2023. Collection method: clinical testing. Allele origin: germline.

Neuberg Centre For Genomic Medicine, NCGM
Classification: Uncertain significance for Mendelian susceptibility to mycobacterial diseases due to complete IL12RB1 deficiency. Review status: criteria provided, single submitter. Criteria: ACMG Guidelines, 2015. Collection method: clinical testing. Allele origin: germline. Inheritance: Autosomal recessive inheritance. Affected: yes.
Comment: The observed missense variant c.1972T>C (p.Cys658Arg) in IL12RB1 gene not been reported previously as a pathogenic variant nor as a benign variant, to our knowledge. The p.Cys658Arg variant is reported with an allele frequency of 0.001% in the gnomAD Exomes database. This variant has been submitted to the ClinVar database as Uncertain Significance. This variant has not been reported to the ClinVar database. The amino acid change p.Cys658Arg in IL12RB1 is predicted as conserved by GERP++. SpliceAI predicts a donor loss of 0.64 for this variant. The amino acid Cys at position 658 is changed to a Arg changing protein sequence and it might alter its composition and physico-chemical properties. However, additional functional studies will be required to prove the pathogenicity of this variant and hence, it has been classified as a Variant of Uncertain Significance (VUS).

NM_005535.3(IL12RB1):c.1972T>C (p.Cys658Arg)

Gene: IL12RB1 (interleukin 12 receptor subunit beta 1; minus strand). Cytogenetic location: 19p13.11.
Variant type: single nucleotide variant.
Coding change: c.1972T>C on transcript NM_005535.3 (MANE Select); coding-DNA position 1972, T replaced by C.
Protein change: p.Cys658Arg; replaces cysteine 658 with arginine.
Molecular consequence: missense variant. On other transcripts: splice donor variant (1).
Genome position (GRCh38, 1-based): chr19:18,059,905, A>G on the plus strand (T>C on the coding strand, the complement: IL12RB1 is on the minus strand). VCF-style: chr19-18059905-A-G. GRCh37 (hg19) VCF-style: chr19-18170715-A-G.
Other names: c.2092T>C, p.Cys698Arg (NM_001290024.2); c.1970+2T>C (NM_001290023.2); short protein forms C658R, C698R.
Identifiers: ClinVar variation 2382935 (VCV002382935.3), dbSNP rs566576601, ClinGen allele CA9304643.